The following is an entry in ClinVar:

ClinVar aggregate classification (germline): Uncertain significance (1 of 4 stars; one submission).

Submissions (2):

Labcorp Genetics (formerly Invitae), Labcorp
Classification: Uncertain significance. Last evaluated: 2024-01-04. Review status: criteria provided, single submitter. Criteria: Invitae Variant Classification Sherloc (09022015). Collection method: clinical testing. Allele origin: germline.
Comment: This sequence change replaces alanine, which is neutral and non-polar, with valine, which is neutral and non-polar, at codon 1277 of the DUOX2 protein (p.Ala1277Val). This variant is present in population databases (rs143471358, gnomAD 0.006%). This variant has not been reported in the literature in individuals affected with DUOX2-related conditions. ClinVar contains an entry for this variant (Variation ID: 1447031). Advanced modeling of protein sequence and biophysical properties (such as structural, functional, and spatial information, amino acid conservation, physicochemical variation, residue mobility, and thermodynamic stability) performed at Invitae indicates that this missense variant is not expected to disrupt DUOX2 protein function with a negative predictive value of 80%. In summary, the available evidence is currently insufficient to determine the role of this variant in disease. Therefore, it has been classified as a Variant of Uncertain Significance.

Dr. Peter K. Rogan Lab, Western University
No classification provided (evidence only). Condition: Thyroid cancer, nonmedullary, 1. Review status: no classification provided. Collection method: in vitro. Allele origin: not applicable. Functional consequence: skipped exon, retained intron. Not counted in ClinVar's aggregate classification.

NM_001363711.2(DUOX2):c.3830C>T (p.Ala1277Val)

Gene: DUOX2 (dual oxidase 2; minus strand). Cytogenetic location: 15q21.1.
Variant type: single nucleotide variant.
Coding change: c.3830C>T on transcript NM_001363711.2 (MANE Select); coding-DNA position 3830, C replaced by T.
Protein change: p.Ala1277Val; replaces alanine 1277 with valine.
Molecular consequence: missense variant.
Genome position (GRCh38, 1-based): chr15:45,097,255, G>A on the plus strand (C>T on the coding strand, the complement: DUOX2 is on the minus strand). VCF-style: chr15-45097255-G-A. GRCh37 (hg19) VCF-style: chr15-45389453-G-A.
Other names: c.3830C>T, p.Ala1277Val (NM_014080.5); short protein forms A1277V.
Identifiers: ClinVar variation 1447031 (VCV001447031.5), dbSNP rs143471358, ClinGen allele CA7537721.